The following is an entry in ClinVar:

ClinVar aggregate classification (germline): Conflicting classifications of pathogenicity. Review status: criteria provided, conflicting classifications (1 of 4 stars). 2 submissions from 2 submitters: Uncertain significance (1); Likely benign (1). Last evaluated 2025-11-27.

Allele frequency attached by ClinVar (database versions not stated): gnomAD 0.00001; gnomAD exomes 0.00001 and 0.00002; TOPMed 0.00002.
gnomAD v4.1: 29 of 1,202,583 alleles (0.0024%); highest among the groups gnomAD compares: East Asian, 0.018%; no homozygotes.

Submissions (2):

Labcorp Genetics (formerly Invitae), Labcorp
Classification: Uncertain significance. Last evaluated: 2025-11-27. Review status: criteria provided, single submitter. Criteria: Invitae Variant Classification Sherloc (09022015). Collection method: clinical testing. Allele origin: germline.
Comment: This sequence change falls in intron 35 of the CACNA1F gene. It does not directly change the encoded amino acid sequence of the CACNA1F protein. It affects a nucleotide within the consensus splice site. This variant is present in population databases (rs373333883, gnomAD 0.02%). This variant has not been reported in the literature in individuals affected with CACNA1F-related conditions. ClinVar contains an entry for this variant (Variation ID: 1060201). Variants that disrupt the consensus splice site are a relatively common cause of aberrant splicing (PMID: 17576681, 9536098). Algorithms developed to predict the effect of sequence changes on RNA splicing suggest that this variant is not likely to affect RNA splicing. In summary, the available evidence is currently insufficient to determine the role of this variant in disease. Therefore, it has been classified as a Variant of Uncertain Significance.

Blueprint Genetics
Classification: Likely benign. Last evaluated: 2023-10-05. Review status: criteria provided, single submitter. Criteria: ACMG Guidelines, 2015. Collection method: clinical testing. Allele origin: germline.

Literature cited by the submitters: PubMed 17576681 (cited by Labcorp Genetics (formerly Invitae), Labcorp); PubMed 9536098 (cited by Labcorp Genetics (formerly Invitae), Labcorp).

NM_001256789.3(CACNA1F):c.4100+6A>G

Gene: CACNA1F (calcium voltage-gated channel subunit alpha1 F; minus strand). Cytogenetic location: Xp11.23.
Variant type: single nucleotide variant.
Coding change: c.4100+6A>G on transcript NM_001256789.3 (MANE Select); 6 bases into the intron after coding-DNA position 4100, A replaced by G.
Molecular consequence: intron variant.
Genome position (GRCh38, 1-based): chrX:49,211,892, T>C on the plus strand (A>G on the coding strand, the complement: CACNA1F is on the minus strand). VCF-style: chrX-49211892-T-C. GRCh37 (hg19) VCF-style: chrX-49068352-T-C.
Other names: c.4133+6A>G (NM_005183.4); c.3938+6A>G (NM_001256790.3).
Identifiers: ClinVar variation 1060201 (VCV001060201.10), dbSNP rs373333883, ClinGen allele CA329138259.